The following is an entry in ClinVar:

ClinVar aggregate classification (germline): Uncertain significance (1 of 4 stars; one submission).

Conditions:
Cardiovascular phenotype. Identifiers: MedGen CN230736.

Submission:

Ambry Genetics
Classification: Uncertain significance for Cardiovascular phenotype. Last evaluated: 2024-12-12. Review status: criteria provided, single submitter. Criteria: Ambry Variant Classification Scheme 2023. Collection method: clinical testing. Allele origin: germline.
Comment: The p.F58I variant (also known as c.172T>A), located in coding exon 1 of the KCNJ2 gene, results from a T to A substitution at nucleotide position 172. The phenylalanine at codon 58 is replaced by isoleucine, an amino acid with highly similar properties. This amino acid position is highly conserved in available vertebrate species. In addition, this alteration is predicted to be deleterious by in silico analysis. Based on the available evidence, the clinical significance of this variant remains unclear.

NM_000891.3(KCNJ2):c.172T>A (p.Phe58Ile)

Gene: KCNJ2 (potassium inwardly rectifying channel subfamily J member 2; plus strand). Cytogenetic location: 17q24.3.
Variant type: single nucleotide variant.
Coding change: c.172T>A on transcript NM_000891.3 (MANE Select); coding-DNA position 172, T replaced by A.
Protein change: p.Phe58Ile; replaces phenylalanine 58 with isoleucine.
Molecular consequence: missense variant.
Genome position (GRCh38, 1-based): chr17:70,175,211, T>A. VCF-style: chr17-70175211-T-A. GRCh37 (hg19) VCF-style: chr17-68171352-T-A.
Other names: short protein forms F58I.
Identifiers: ClinVar variation 3862853 (VCV003862853.1).